The following is an entry in ClinVar:

NM_002076.4(GNS):c.1579G>A (p.Gly527Arg)

Gene: GNS (glucosamine (N-acetyl)-6-sulfatase; minus strand). Cytogenetic location: 12q14.3.
Variant type: single nucleotide variant.
Coding change: c.1579G>A on transcript NM_002076.4 (MANE Select); coding-DNA position 1579, G replaced by A.
Protein change: p.Gly527Arg; replaces glycine 527 with arginine.
Molecular consequence: missense variant.
Genome position (GRCh38, 1-based): chr12:64,720,023, C>T on the plus strand (G>A on the coding strand, the complement: GNS is on the minus strand). VCF-style: chr12-64720023-C-T. GRCh37 (hg19) VCF-style: chr12-65113803-C-T.
Other names: short protein forms G527R.
Identifiers: ClinVar variation 4717719 (VCV004717719.1).
Genomic context (GRCh38, chr12:64,720,023, plus strand): 5'-AGAACAGCATGTCTACTAGAAAAAACTTGGCCAAGTAAATGAAGAGAAAGGAAACTTACC[C>T]GGGGTCAAAAACCCCTGGAGTGCGACAGGTTGGCCCAGAACAGGACTGTAACATCATTAA-3'
Protein context (NP_002067.1, residues 517-537): TCRTPGVFDP[Gly527Arg]YRFDPRLMFS

ClinVar aggregate classification (germline): Uncertain significance (1 of 4 stars; one submission).

Conditions:
Mucopolysaccharidosis, MPS-III-D (MPS3D). Also called: N-ACETYLGLUCOSAMINE-6-SULFATASE DEFICIENCY; SANFILIPPO SYNDROME D; MPS III D; Mucopoly-saccharidosis type 3D; N-acetylglucosamine-6-sulfate sulfatase deficiency; MPS 3D. Identifiers: Orphanet 581, Orphanet 79272, MedGen C0086650, MONDO:0009658, OMIM 252940.

gnomAD v4.1: 11 of 1,610,246 alleles (0.00068%); highest among the groups gnomAD compares: Middle Eastern, 0.016%; 1 homozygote.

Submission:

Labcorp Genetics (formerly Invitae), Labcorp
Classification: Uncertain significance for Mucopolysaccharidosis, MPS-III-D. Last evaluated: 2025-07-06. Review status: criteria provided, single submitter. Criteria: Invitae Variant Classification Sherloc (09022015). Collection method: clinical testing. Allele origin: germline.
Comment: This sequence change replaces glycine, which is neutral and non-polar, with arginine, which is basic and polar, at codon 527 of the GNS protein (p.Gly527Arg). This variant is present in population databases (rs767876998, gnomAD 0.003%). This variant has not been reported in the literature in individuals affected with GNS-related conditions. An algorithm developed to predict the effect of missense changes on protein structure and function outputs the following: PolyPhen-2: "Benign". The arginine amino acid residue is found in multiple mammalian species, which suggests that this missense change does not adversely affect protein function. In summary, the available evidence is currently insufficient to determine the role of this variant in disease. Therefore, it has been classified as a Variant of Uncertain Significance.